The following is an entry in ClinVar:

ClinVar aggregate classification (germline): Benign/Likely benign. Review status: criteria provided, multiple submitters, no conflicts (2 of 4 stars). 4 submissions from 4 submitters: Benign (1); Likely benign (3). Last evaluated 2025-03-28.

Conditions:
Hereditary cancer-predisposing syndrome. Also called: Tumor predisposition; Hereditary neoplastic syndrome; Neoplastic Syndromes, Hereditary; Hereditary Cancer Syndrome. Identifiers: Orphanet 140162, MedGen C0027672, MeSH D009386, MONDO:0015356.
Peutz-Jeghers syndrome (PJS). Also called: Peutz-Jeghers polyposis; Periorificial lentiginosis syndrome; POLYPOSIS, HAMARTOMATOUS INTESTINAL; POLYPS-AND-SPOTS SYNDROME. Identifiers: Orphanet 2869, MedGen C0031269, MeSH D010580, MONDO:0008280, OMIM 175200.

Submissions (4):

Myriad Genetics, Inc.
Classification: Benign for Peutz-Jeghers syndrome. Last evaluated: 2025-03-28. Review status: criteria provided, single submitter. Criteria: Myriad Autosomal Dominant, Autosomal Recessive and X-Linked Classification Criteria (2023). Collection method: clinical testing. Allele origin: unknown.
Comment: This variant is considered benign. This variant is a silent/synonymous amino acid change and it is not expected to impact splicing.

Ambry Genetics
Classification: Likely benign for Hereditary cancer-predisposing syndrome. Last evaluated: 2024-07-26. Review status: criteria provided, single submitter. Criteria: Ambry Variant Classification Scheme 2023. Collection method: clinical testing. Allele origin: germline.

Labcorp Genetics (formerly Invitae), Labcorp
Classification: Likely benign for Peutz-Jeghers syndrome. Last evaluated: 2024-04-29. Review status: criteria provided, single submitter. Criteria: Invitae Variant Classification Sherloc (09022015). Collection method: clinical testing. Allele origin: germline.

Color Diagnostics, LLC DBA Color Health
Classification: Likely benign for Hereditary cancer-predisposing syndrome. Last evaluated: 2019-08-12. Review status: criteria provided, single submitter. Criteria: ACMG Guidelines, 2015. Collection method: clinical testing. Allele origin: germline.

NM_000455.5(STK11):c.1113G>A (p.Gln371=)

Gene: STK11 (serine/threonine kinase 11; plus strand). Cytogenetic location: 19p13.3.
Variant type: single nucleotide variant.
Coding change: c.1113G>A on transcript NM_000455.5 (MANE Select); coding-DNA position 1113, G replaced by A.
Protein change: p.Gln371=; no amino-acid change (glutamine 371 retained).
Molecular consequence: synonymous variant.
Genome position (GRCh38, 1-based): chr19:1,226,458, G>A. VCF-style: chr19-1226458-G-A. GRCh37 (hg19) VCF-style: chr19-1226457-G-A.
Identifiers: ClinVar variation 135914 (VCV000135914.7), dbSNP rs587780714, ClinGen allele CA022319.